The following is an entry in ClinVar:

NM_015459.5(ATL3):c.1550A>G (p.His517Arg)

Genes: ATL3 (atlastin GTPase 3; minus strand), LNCROPM (lncRNA regulator of PLAAT3 mediated phospholipid metabolism; plus strand). Cytogenetic location: 11q13.1.
Variant type: single nucleotide variant.
Coding change: c.1550A>G on transcript NM_015459.5 (MANE Select); coding-DNA position 1550, A replaced by G.
Protein change: p.His517Arg; replaces histidine 517 with arginine.
Molecular consequence: missense variant.
Genome position (GRCh38, 1-based): chr11:63,629,395, T>C on the plus strand (A>G on the coding strand, the complement: ATL3 is on the minus strand). VCF-style: chr11-63629395-T-C. GRCh37 (hg19) VCF-style: chr11-63396867-T-C.
Other names: c.1496A>G, p.His499Arg (NM_001290048.2); short protein forms H499R, H517R.
Identifiers: ClinVar variation 835708 (VCV000835708.9), dbSNP rs142132706, ClinGen allele CA381023970.
Genomic context (GRCh38, chr11:63,629,395, plus strand): 5'-TCCATGGATGGTCTTCCAACAACTGCATCCCTCACAGTGGCCTGAGTGGAATTACCGATA[T>C]GAGAAGAAGCCTGCAAAAGTCCATTTATTCAACATATAAGTTAATAAAATACAACACAGC-3'
Protein context (NP_056274.3, residues 507-527): AAYVLEQASS[His517Arg]IGNSTQATVR

ClinVar aggregate classification (germline): Uncertain significance (1 of 4 stars; one submission).

Conditions:
Neuropathy, hereditary sensory, type 1F. Also called: HSN IF; Hereditary sensory neuropathy type IF. Identifiers: Orphanet 36386, MedGen C3810194, MONDO:0014286, OMIM 615632.

gnomAD v4.1: 1 of 1,614,094 alleles (0.000062%); highest among the groups gnomAD compares: Non-Finnish European, 0.000085%; no homozygotes.

Submission:

Labcorp Genetics (formerly Invitae), Labcorp
Classification: Uncertain significance for Neuropathy, hereditary sensory, type 1F. Last evaluated: 2019-03-13. Review status: criteria provided, single submitter. Criteria: Invitae Variant Classification Sherloc (09022015). Collection method: clinical testing. Allele origin: germline.
Comment: In summary, the available evidence is currently insufficient to determine the role of this variant in disease. Therefore, it has been classified as a Variant of Uncertain Significance. Algorithms developed to predict the effect of missense changes on protein structure and function (SIFT, PolyPhen-2, Align-GVGD) all suggest that this variant is likely to be tolerated, but these predictions have not been confirmed by published functional studies and their clinical significance is uncertain. This variant has not been reported in the literature in individuals with ATL3-related conditions. This sequence change replaces histidine with arginine at codon 517 of the ATL3 protein (p.His517Arg). The histidine residue is weakly conserved and there is a small physicochemical difference between histidine and arginine. This variant is not present in population databases (ExAC no frequency).